The following is an entry in ClinVar:

ClinVar aggregate classification (germline): Uncertain significance. Review status: criteria provided, multiple submitters, no conflicts (2 of 4 stars). 3 submissions from 3 submitters: Uncertain significance (3). Last evaluated 2024-10-20.

Conditions:
Inborn genetic diseases. Identifiers: MedGen C0950123, MeSH D030342.
3-methylglutaconic aciduria type 1 (MGCA1). Identifiers: Orphanet 67046, MedGen C0342727, MONDO:0009610, OMIM 250950.

Allele frequency attached by ClinVar (database versions not stated): gnomAD 0.00005.
gnomAD v4.1: 64 of 1,471,822 alleles (0.0043%); highest among the groups gnomAD compares: African/African-American, 0.0059%; no homozygotes.

Submissions (3):

Ambry Genetics
Classification: Uncertain significance for Inborn genetic diseases. Last evaluated: 2024-10-20. Review status: criteria provided, single submitter. Criteria: Ambry Variant Classification Scheme 2023. Collection method: clinical testing. Allele origin: germline.

Labcorp Genetics (formerly Invitae), Labcorp
Classification: Uncertain significance for 3-methylglutaconic aciduria type 1. Last evaluated: 2022-12-06. Review status: criteria provided, single submitter. Criteria: Invitae Variant Classification Sherloc (09022015). Collection method: clinical testing. Allele origin: germline.
Comment: This sequence change replaces alanine, which is neutral and non-polar, with valine, which is neutral and non-polar, at codon 8 of the AUH protein (p.Ala8Val). This variant is present in population databases (no rsID available, gnomAD 0.002%). This variant has not been reported in the literature in individuals affected with AUH-related conditions. Algorithms developed to predict the effect of missense changes on protein structure and function output the following: SIFT: "Tolerated"; PolyPhen-2: "Not Available"; Align-GVGD: "Class C0". The valine amino acid residue is found in multiple mammalian species, which suggests that this missense change does not adversely affect protein function. In summary, the available evidence is currently insufficient to determine the role of this variant in disease. Therefore, it has been classified as a Variant of Uncertain Significance.

Department of Pathology and Laboratory Medicine, Sinai Health System
Classification: Uncertain significance for 3-methylglutaconic aciduria type 1. Last evaluated: 2021-07-30. Review status: criteria provided, single submitter. Criteria: ACMG Guidelines, 2015. Collection method: research. Allele origin: germline.

NM_001698.3(AUH):c.23C>T (p.Ala8Val)

Genes: AUH (AU RNA binding methylglutaconyl-CoA hydratase; minus strand), LOC130002059 (ATAC-STARR-seq lymphoblastoid silent region 20025; plus strand). Cytogenetic location: 9q22.31.
Variant type: single nucleotide variant.
Coding change: c.23C>T on transcript NM_001698.3 (MANE Select); coding-DNA position 23, C replaced by T.
Protein change: p.Ala8Val; replaces alanine 8 with valine.
Molecular consequence: missense variant. On other transcripts: 5 prime UTR variant (3).
Genome position (GRCh38, 1-based): chr9:91,361,867, G>A on the plus strand (C>T on the coding strand, the complement: AUH is on the minus strand). VCF-style: chr9-91361867-G-A. GRCh37 (hg19) VCF-style: chr9-94124149-G-A.
Other names: c.23C>T, p.Ala8Val (NM_001306190.2); c.-375C>T (NM_001351431.2, NM_001351433.2); c.-467C>T (NM_001351432.2); short protein forms A8V.
Identifiers: ClinVar variation 2180757 (VCV002180757.6), dbSNP rs868197872, ClinGen allele CA195931377.
Genomic context (GRCh38, chr9:91,361,867, plus strand): 5'-GCACTGCAAGCGGCCACCAGGCGGGCGCCGCCAGCATGCAGGGATCCCAAGGCCCCAGGT[G>A]CCGCCGCCACCGCGGCCGCCATGTTGTCTGTTTACGGCGTGGACCTGCGACGGCCGCTCC-3'
Protein context (NP_001689.1, residues 1-18): MAAAVAA[Ala8Val]PGALGSLHAG